The following is an entry in ClinVar:

NM_004260.4(RECQL4):c.2407G>A (p.Gly803Ser)

Gene: RECQL4 (RecQ like helicase 4; minus strand). Cytogenetic location: 8q24.3.
Variant type: single nucleotide variant.
Coding change: c.2407G>A on transcript NM_004260.4 (MANE Select); coding-DNA position 2407, G replaced by A.
Protein change: p.Gly803Ser; replaces glycine 803 with serine.
Molecular consequence: missense variant.
Genome position (GRCh38, 1-based): chr8:144,513,274, C>T on the plus strand (G>A on the coding strand, the complement: RECQL4 is on the minus strand). VCF-style: chr8-144513274-C-T. GRCh37 (hg19) VCF-style: chr8-145738657-C-T.
Other names: c.2407G>A (NM_004260.3); short protein forms G803S.
Identifiers: ClinVar variation 1515409 (VCV001515409.7), dbSNP rs1827604830, ClinGen allele CA372678176.

ClinVar aggregate classification (germline): Uncertain significance. Review status: criteria provided, multiple submitters, no conflicts (2 of 4 stars). 2 submissions from 2 submitters: Uncertain significance (2). Last evaluated 2024-10-02.

Conditions:
Inborn genetic diseases. Identifiers: MedGen C0950123, MeSH D030342.
Baller-Gerold syndrome (BGS). Also called: CRANIOSYNOSTOSIS WITH RADIAL DEFECTS. Identifiers: Orphanet 1225, MedGen C0265308, MONDO:0009039, OMIM 218600.

Allele frequency attached by ClinVar (database versions not stated): gnomAD exomes below 0.00001; TOPMed below 0.00001; gnomAD 0.00001.
gnomAD v4.1: 2 of 1,596,656 alleles (0.00013%); highest among the groups gnomAD compares: Non-Finnish European, 0.00017%; no homozygotes.

Submissions (2):

Ambry Genetics
Classification: Uncertain significance for Inborn genetic diseases. Last evaluated: 2024-10-02. Review status: criteria provided, single submitter. Criteria: Ambry Variant Classification Scheme 2023. Collection method: clinical testing. Allele origin: germline.
Comment: The p.G803S variant (also known as c.2407G>A), located in coding exon 14 of the RECQL4 gene, results from a G to A substitution at nucleotide position 2407. The glycine at codon 803 is replaced by serine, an amino acid with similar properties. This amino acid position is conserved. Based on the available evidence, the clinical significance of this variant remains unclear.

Labcorp Genetics (formerly Invitae), Labcorp
Classification: Uncertain significance for Baller-Gerold syndrome. Last evaluated: 2021-04-26. Review status: criteria provided, single submitter. Criteria: Invitae Variant Classification Sherloc (09022015). Collection method: clinical testing. Allele origin: germline.
Comment: This variant has not been reported in the literature in individuals with RECQL4-related conditions. In summary, the available evidence is currently insufficient to determine the role of this variant in disease. Therefore, it has been classified as a Variant of Uncertain Significance. Experimental studies and prediction algorithms are not available or were not evaluated, and the functional significance of this variant is currently unknown. This variant is not present in population databases (ExAC no frequency). This sequence change replaces glycine with serine at codon 803 of the RECQL4 protein (p.Gly803Ser). The glycine residue is highly conserved and there is a small physicochemical difference between glycine and serine.